The following is an entry in ClinVar:

ClinVar aggregate classification (germline): Uncertain significance (1 of 4 stars; one submission).

Conditions:
Central core myopathy (CMYO1A). Also called: CONGENITAL MYOPATHY 1A, AUTOSOMAL DOMINANT, WITH SUSCEPTIBILITY TO MALIGNANT HYPERTHERMIA; Central core disease; Myopathy, central fibrillar. Identifiers: Orphanet 597, MedGen C5830701, MONDO:0007294, OMIM 117000.

Submission:

3billion
Classification: Uncertain significance for Central core myopathy. Last evaluated: 2023-12-15. Review status: criteria provided, single submitter. Criteria: ACMG Guidelines, 2015. Collection method: clinical testing. Allele origin: germline. Affected: yes.
Comment: The variant is not observed in the gnomAD v2.1.1 dataset. Predicted Consequence/Location: Inframe deletion located in a nonrepeat region: predicted to change the length of the protein and disrupt normal protein function. Therefore, this variant is classified as VUS according to the recommendation of ACMG/AMP guideline.

NM_000540.3(RYR1):c.14749_14751del (p.Phe4917del)

Gene: RYR1 (ryanodine receptor 1; plus strand). Cytogenetic location: 19q13.2.
Variant type: Deletion.
Coding change: c.14749_14751del on transcript NM_000540.3 (MANE Select); coding-DNA positions 14749 to 14751, 3 bases deleted (TTC; older notation c.14749_14751delTTC).
Protein change: p.Phe4917del; deletes phenylalanine 4917.
Molecular consequence: inframe deletion.
Genome position (GRCh38, 1-based): chr19:38,585,045-38,585,047, TTC deleted; deleting any 3 consecutive bases within chr19:38,585,043-38,585,047 gives the same sequence; the c. name uses the placement nearest the transcript's 3' end. VCF-style (leftmost placement, unchanged base first): chr19-38585042-GTCT-G. GRCh37 (hg19) VCF-style: chr19-39075682-GTCT-G.
Other names: c.14734_14736del, p.Phe4912del (NM_001042723.2); short protein forms F4912del, F4917del.
Identifiers: ClinVar variation 3775308 (VCV003775308.1).